The following is an entry in ClinVar:

ClinVar aggregate classification (germline): Uncertain significance. Review status: criteria provided, multiple submitters, no conflicts (2 of 4 stars). 2 submissions from 2 submitters: Uncertain significance (2). Last evaluated 2024-06-10.

Conditions:
Inborn genetic diseases. Identifiers: MedGen C0950123, MeSH D030342.

Allele frequency attached by ClinVar (database versions not stated): ExAC 0.00001; gnomAD 0.00001; gnomAD exomes 0.00001.
gnomAD v4.1: 8 of 1,596,302 alleles (0.0005%); highest among the groups gnomAD compares: East Asian, 0.0022%; no homozygotes.

Submissions (2):

Ambry Genetics
Classification: Uncertain significance for Inborn genetic diseases. Last evaluated: 2024-06-10. Review status: criteria provided, single submitter. Criteria: Ambry Variant Classification Scheme 2023. Collection method: clinical testing. Allele origin: germline.

Labcorp Genetics (formerly Invitae), Labcorp
Classification: Uncertain significance. Last evaluated: 2020-11-26. Review status: criteria provided, single submitter. Criteria: Invitae Variant Classification Sherloc (09022015). Collection method: clinical testing. Allele origin: germline.
Comment: In summary, the available evidence is currently insufficient to determine the role of this variant in disease. Therefore, it has been classified as a Variant of Uncertain Significance. Advanced modeling of protein sequence and biophysical properties (such as structural, functional, and spatial information, amino acid conservation, physicochemical variation, residue mobility, and thermodynamic stability) performed at Invitae indicates that this missense variant is not expected to disrupt SPTBN2 protein function. This variant has not been reported in the literature in individuals with SPTBN2-related conditions. This variant is present in population databases (rs748547587, ExAC 0.008%). This sequence change replaces arginine with tryptophan at codon 742 of the SPTBN2 protein (p.Arg742Trp). The arginine residue is moderately conserved and there is a moderate physicochemical difference between arginine and tryptophan.

NM_006946.4(SPTBN2):c.2224C>T (p.Arg742Trp)

Gene: SPTBN2 (spectrin beta, non-erythrocytic 2; minus strand). Cytogenetic location: 11q13.2.
Variant type: single nucleotide variant.
Coding change: c.2224C>T on transcript NM_006946.4 (MANE Select); coding-DNA position 2224, C replaced by T.
Protein change: p.Arg742Trp; replaces arginine 742 with tryptophan.
Molecular consequence: missense variant.
Genome position (GRCh38, 1-based): chr11:66,705,052, G>A on the plus strand (C>T on the coding strand, the complement: SPTBN2 is on the minus strand). VCF-style: chr11-66705052-G-A. GRCh37 (hg19) VCF-style: chr11-66472523-G-A.
Other names: c.2224C>T (NM_006946.2); short protein forms R742W.
Identifiers: ClinVar variation 1351665 (VCV001351665.9), dbSNP rs748547587, ClinGen allele CA6129174.